The following is an entry in ClinVar:

ClinVar aggregate classification (germline): Uncertain significance (1 of 4 stars; one submission).

Allele frequency attached by ClinVar (database versions not stated): ExAC 0.00001; gnomAD 0.00001; gnomAD exomes 0.00001; 1000 Genomes Project 0.00020; 1000 Genomes Project 30x 0.00031.
gnomAD v4.1: 3 of 1,614,044 alleles (0.00019%); highest among the groups gnomAD compares: Admixed American, 0.005%; no homozygotes.

Submission:

Labcorp Genetics (formerly Invitae), Labcorp
Classification: Uncertain significance. Last evaluated: 2025-03-06. Review status: criteria provided, single submitter. Criteria: Invitae Variant Classification Sherloc (09022015). Collection method: clinical testing. Allele origin: germline.
Comment: This sequence change replaces alanine, which is neutral and non-polar, with glycine, which is neutral and non-polar, at codon 317 of the LEMD3 protein (p.Ala317Gly). This variant is present in population databases (rs567928632, gnomAD 0.003%). This variant has not been reported in the literature in individuals affected with LEMD3-related conditions. ClinVar contains an entry for this variant (Variation ID: 1352249). Invitae Evidence Modeling of protein sequence and biophysical properties (such as structural, functional, and spatial information, amino acid conservation, physicochemical variation, residue mobility, and thermodynamic stability) indicates that this missense variant is not expected to disrupt LEMD3 protein function with a negative predictive value of 80%. In summary, the available evidence is currently insufficient to determine the role of this variant in disease. Therefore, it has been classified as a Variant of Uncertain Significance.

NM_014319.5(LEMD3):c.950C>G (p.Ala317Gly)

Gene: LEMD3 (LEM domain containing 3; plus strand). Cytogenetic location: 12q14.3.
Variant type: single nucleotide variant.
Coding change: c.950C>G on transcript NM_014319.5 (MANE Select); coding-DNA position 950, C replaced by G.
Protein change: p.Ala317Gly; replaces alanine 317 with glycine.
Molecular consequence: missense variant.
Genome position (GRCh38, 1-based): chr12:65,170,546, C>G. VCF-style: chr12-65170546-C-G. GRCh37 (hg19) VCF-style: chr12-65564326-C-G.
Other names: c.950C>G, p.Ala317Gly (NM_001167614.2); short protein forms A317G.
Identifiers: ClinVar variation 1352249 (VCV001352249.6), dbSNP rs567928632, ClinGen allele CA6670810.